The following is an entry in ClinVar:

ClinVar aggregate classification (germline): Uncertain significance (1 of 4 stars; one submission).

Conditions:
Primary ciliary dyskinesia. Also called: Ciliary dyskinesia. Identifiers: Orphanet 244, MedGen C0008780, MONDO:0016575, HP:0012265.

Submission:

Labcorp Genetics (formerly Invitae), Labcorp
Classification: Uncertain significance for Primary ciliary dyskinesia. Last evaluated: 2021-04-21. Review status: criteria provided, single submitter. Criteria: Invitae Variant Classification Sherloc (09022015). Collection method: clinical testing. Allele origin: germline.
Comment: This variant has not been reported in the literature in individuals with DNAAF5-related conditions. Algorithms developed to predict the effect of missense changes on protein structure and function are either unavailable or do not agree on the potential impact of this missense change (SIFT: "Deleterious"; PolyPhen-2: "Probably Damaging"; Align-GVGD: "Class C0"). This sequence change replaces alanine with glycine at codon 672 of the DNAAF5 protein (p.Ala672Gly). The alanine residue is highly conserved and there is a small physicochemical difference between alanine and glycine. This variant is not present in population databases (ExAC no frequency). In summary, the available evidence is currently insufficient to determine the role of this variant in disease. Therefore, it has been classified as a Variant of Uncertain Significance.

NM_017802.4(DNAAF5):c.2015C>G (p.Ala672Gly)

Gene: DNAAF5 (dynein axonemal assembly factor 5; plus strand). Cytogenetic location: 7p22.3.
Variant type: single nucleotide variant.
Coding change: c.2015C>G on transcript NM_017802.4 (MANE Select); coding-DNA position 2015, C replaced by G.
Protein change: p.Ala672Gly; replaces alanine 672 with glycine.
Molecular consequence: missense variant. On other transcripts: non-coding transcript variant (1).
Genome position (GRCh38, 1-based): chr7:774,131, C>G. VCF-style: chr7-774131-C-G. GRCh37 (hg19) VCF-style: chr7-813768-C-G.
Other names: short protein forms A672G.
Identifiers: ClinVar variation 1468932 (VCV001468932.8), dbSNP rs2128084811, ClinGen allele CA366544726.
Genomic context (GRCh38, chr7:774,131, plus strand): 5'-CGGTGACAAAGGACATCCTGGCCCCCAATCTGCAGTGGCATGCGGGGAGGACAGCCGCGG[C>G]CATCCGCACGGCTGCCGTGTCCTGCCTCTGGGCGCTCACCAGCAGCGAGGTCCTGTCGGC-3'
Protein context (NP_060272.3, residues 662-682): LQWHAGRTAA[Ala672Gly]IRTAAVSCLW